The following is an entry in ClinVar:

NM_013335.4(GMPPA):c.439A>G (p.Thr147Ala)

Genes: ASIC4-AS1 (ASIC4 antisense RNA 1; minus strand), GMPPA (GDP-mannose pyrophosphorylase A; plus strand). Cytogenetic location: 2q35.
Variant type: single nucleotide variant.
Coding change: c.439A>G on transcript NM_013335.4 (MANE Select); coding-DNA position 439, A replaced by G.
Protein change: p.Thr147Ala; replaces threonine 147 with alanine.
Molecular consequence: missense variant.
Genome position (GRCh38, 1-based): chr2:219,502,391, A>G. VCF-style: chr2-219502391-A-G. GRCh37 (hg19) VCF-style: chr2-220367113-A-G.
Other names: c.439A>G, p.Thr147Ala (NM_001374294.1, NM_001374295.1, NM_205847.3); short protein forms T147A.
Identifiers: ClinVar variation 851891 (VCV000851891.10), dbSNP rs1186293652, ClinGen allele CA350732253.

ClinVar aggregate classification (germline): Uncertain significance (1 of 4 stars; one submission).

Conditions:
Alacrima, achalasia, and impaired intellectual development syndrome. Also called: Alacrima, achalasia, and intellectual disability syndrome; Alacrima, achalasia, and mental retardation syndrome. Identifiers: Orphanet 869, MedGen C4706563, MONDO:0014219, OMIM 615510.

Allele frequency attached by ClinVar (database versions not stated): gnomAD exomes below 0.00001; TOPMed below 0.00001.

Submission:

Labcorp Genetics (formerly Invitae), Labcorp
Classification: Uncertain significance for Alacrima, achalasia, and impaired intellectual development syndrome. Last evaluated: 2019-11-19. Review status: criteria provided, single submitter. Criteria: Invitae Variant Classification Sherloc (09022015). Collection method: clinical testing. Allele origin: germline.
Comment: In summary, the available evidence is currently insufficient to determine the role of this variant in disease. Therefore, it has been classified as a Variant of Uncertain Significance. Algorithms developed to predict the effect of missense changes on protein structure and function (SIFT, PolyPhen-2, Align-GVGD) all suggest that this variant is likely to be tolerated, but these predictions have not been confirmed by published functional studies and their clinical significance is uncertain. This variant has not been reported in the literature in individuals with GMPPA-related conditions. This variant is not present in population databases (ExAC no frequency). This sequence change replaces threonine with alanine at codon 147 of the GMPPA protein (p.Thr147Ala). The threonine residue is moderately conserved and there is a small physicochemical difference between threonine and alanine.